The following is an entry in ClinVar:

ClinVar aggregate classification (germline): Uncertain significance (1 of 4 stars; one submission).

Conditions:
Hereditary sensory and autonomic neuropathy type 6. Also called: HSAN VI; Neuropathy, hereditary sensory and autonomic, type VI. Identifiers: Orphanet 314381, MedGen C3539003, MONDO:0013839, OMIM 614653.
Epidermolysis bullosa simplex 3, localized or generalized intermediate, with BP230 deficiency (EBS3). Also called: Epidermolysis bullosa simplex due to BP230 deficiency; Epidermolysis bullosa simplex, autosomal recessive 2. Identifiers: Orphanet 412181, MedGen C3809470, MONDO:0014180, OMIM 615425.

Allele frequency attached by ClinVar (database versions not stated): ExAC 0.00001.
gnomAD v4.1: 10 of 1,599,006 alleles (0.00063%); highest among the groups gnomAD compares: East Asian, 0.0022%; no homozygotes.

Submission:

Labcorp Genetics (formerly Invitae), Labcorp
Classification: Uncertain significance for Epidermolysis bullosa simplex 3, localized or generalized intermediate, with BP230 deficiency; Hereditary sensory and autonomic neuropathy type 6. Last evaluated: 2022-10-25. Review status: criteria provided, single submitter. Criteria: Invitae Variant Classification Sherloc (09022015). Collection method: clinical testing. Allele origin: germline.
Comment: In summary, the available evidence is currently insufficient to determine the role of this variant in disease. Therefore, it has been classified as a Variant of Uncertain Significance. Experimental studies and prediction algorithms are not available or were not evaluated, and the effect of this variant on mRNA splicing is currently unknown. This variant has not been reported in the literature in individuals affected with DST-related conditions. This variant is not present in population databases (gnomAD no frequency). This sequence change falls in intron 41 of the DST gene. It does not directly change the encoded amino acid sequence of the DST protein. The DST gene has multiple clinically relevant transcripts. This variant occurs in alternate transcript NM_015548.4, and corresponds to NM_001723.5:c.*61846G>A in the primary transcript.

NM_001374736.1(DST):c.15137-16G>A

Gene: DST (dystonin; minus strand). Cytogenetic location: 6p12.1.
Variant type: single nucleotide variant.
Coding change: c.15137-16G>A on transcript NM_001374736.1 (MANE Select); 16 bases into the intron before coding-DNA position 15137, G replaced by A.
Molecular consequence: intron variant.
Genome position (GRCh38, 1-based): chr6:56,553,671, C>T on the plus strand (G>A on the coding strand, the complement: DST is on the minus strand). VCF-style: chr6-56553671-C-T. GRCh37 (hg19) VCF-style: chr6-56418469-C-T.
Other names: c.8780-16G>A (NM_001144769.5); c.15137-16G>A (NM_001374722.1); c.15164-16G>A (NM_001374734.1); c.8366-16G>A (NM_001144770.2); c.8246-16G>A (NM_001374730.1, NM_001386100.1, NM_183380.4); c.14504-16G>A (NM_001374729.1); c.7268-16G>A (NM_015548.5).
Identifiers: ClinVar variation 2154650 (VCV002154650.4), dbSNP rs751256713, ClinGen allele CA3867866.
Genomic context (GRCh38, chr6:56,553,671, plus strand): 5'-GATGAGAGCTTGCACAGGCCGACTGAAGGTGCTGGACATGATTCTCTAGAAATAAAATTA[C>T]AAGATATGTTTATTTTACATCAAAATGTTAATTTAATCTATGAAAAGCCAAAATAAAAAT-3'